The following is an entry in ClinVar:

NM_000264.5(PTCH1):c.468A>C (p.Gln156His)

Gene: PTCH1 (patched 1; minus strand). Cytogenetic location: 9q22.32.
Variant type: single nucleotide variant.
Coding change: c.468A>C on transcript NM_000264.5 (MANE Select); coding-DNA position 468, A replaced by C.
Protein change: p.Gln156His; replaces glutamine 156 with histidine.
Molecular consequence: missense variant. On other transcripts: non-coding transcript variant (1).
Genome position (GRCh38, 1-based): chr9:95,485,801, T>G on the plus strand (A>C on the coding strand, the complement: PTCH1 is on the minus strand). VCF-style: chr9-95485801-T-G. GRCh37 (hg19) VCF-style: chr9-98248083-T-G.
Other names: c.270A>C, p.Gln90His (NM_001083602.3, NM_001354919.2); c.465A>C, p.Gln155His (NM_001083603.3); c.15A>C, p.Gln5His (NM_001083604.3, NM_001083605.3, NM_001083606.3 and 1 more transcripts); c.468A>C, p.Gln156His (NM_001354918.2); short protein forms Q90H, Q156H, Q155H, Q5H.
Identifiers: ClinVar variation 565706 (VCV000565706.15), dbSNP rs200729445, ClinGen allele CA374117055.

ClinVar aggregate classification (germline): Conflicting classifications of pathogenicity. Review status: criteria provided, conflicting classifications (1 of 4 stars). 3 submissions from 3 submitters: Uncertain significance (2); Likely benign (1). Last evaluated 2025-11-17.

Conditions:
Hereditary cancer-predisposing syndrome. Also called: Neoplastic Syndromes, Hereditary; Tumor predisposition; Hereditary Cancer Syndrome; Hereditary neoplastic syndrome. Identifiers: Orphanet 140162, MedGen C0027672, MeSH D009386, MONDO:0015356.
Gorlin syndrome. Also called: Nevoid Basal Cell Carcinoma Syndrome; Basal cell nevus syndrome. Identifiers: Orphanet 377, MedGen C0004779, MONDO:0007187.

gnomAD v4.1: 34 of 1,614,064 alleles (0.0021%); highest among the groups gnomAD compares: Non-Finnish European, 0.0026%; no homozygotes.

Submissions (3):

Labcorp Genetics (formerly Invitae), Labcorp
Classification: Likely benign for Gorlin syndrome. Last evaluated: 2025-11-17. Review status: criteria provided, single submitter. Criteria: Invitae Variant Classification Sherloc (09022015). Collection method: clinical testing. Allele origin: germline.

Ambry Genetics
Classification: Uncertain significance for Hereditary cancer-predisposing syndrome. Last evaluated: 2025-06-17. Review status: criteria provided, single submitter. Criteria: Ambry Variant Classification Scheme 2023. Collection method: clinical testing. Allele origin: germline.
Comment: The p.Q156H variant (also known as c.468A>C), located in coding exon 3 of the PTCH1 gene, results from an A to C substitution at nucleotide position 468. The glutamine at codon 156 is replaced by histidine, an amino acid with highly similar properties. This amino acid position is highly conserved in available vertebrate species. In addition, this alteration is predicted to be deleterious by in silico analysis. Based on the available evidence, the clinical significance of this variant remains unclear.

ARUP Laboratories, Molecular Genetics and Genomics, ARUP Laboratories
Classification: Uncertain significance. Last evaluated: 2025-05-18. Review status: criteria provided, single submitter. Criteria: ARUP Molecular Germline Variant Investigation Process 2024. Collection method: clinical testing. Allele origin: germline.
Comment: The PTCH1 c.468A>C; p.Gln156His variant (rs200729445), to our knowledge, is not reported in the medical literature but is reported in ClinVar (Variation ID: 565706). This variant is only observed on two alleles in the Genome Aggregation Database (v2.1.1), indicating it is not a common polymorphism. Computational analyses predict that this variant is deleterious (REVEL: 0.801). However, given the lack of clinical and functional data, the significance of this variant is uncertain at this time.